The following is an entry in ClinVar:

NM_024301.5(FKRP):c.555C>T (p.Ala185=)

Gene: FKRP (fukutin related protein; plus strand). Cytogenetic location: 19q13.32.
Variant type: single nucleotide variant.
Coding change: c.555C>T on transcript NM_024301.5 (MANE Select); coding-DNA position 555, C replaced by T.
Protein change: p.Ala185=; no amino-acid change (alanine 185 retained).
Molecular consequence: synonymous variant.
Genome position (GRCh38, 1-based): chr19:46,756,005, C>T. VCF-style: chr19-46756005-C-T. GRCh37 (hg19) VCF-style: chr19-47259262-C-T.
Other names: c.555C>T, p.Ala185= (NM_001039885.3).
Identifiers: ClinVar variation 390147 (VCV000390147.12), dbSNP rs1057523657, ClinGen allele CA16608197.

ClinVar aggregate classification (germline): Likely benign. Review status: criteria provided, multiple submitters, no conflicts (2 of 4 stars). 2 submissions from 2 submitters: Likely benign (2). Last evaluated 2025-12-08.

Conditions:
Walker-Warburg congenital muscular dystrophy. Also called: Muscular dystrophy-dystroglycanopathy, type A; Walker-Warburg syndrome. Identifiers: Orphanet 899, MedGen C0265221, MONDO:0000171.

Allele frequency attached by ClinVar (database versions not stated): gnomAD exomes 0.00001; gnomAD 0.00003; 1000 Genomes Project 30x 0.00062.
gnomAD v4.1: 16 of 1,557,996 alleles (0.001%); highest among the groups gnomAD compares: African/African-American, 0.014%; 1 homozygote.

Submissions (2):

Labcorp Genetics (formerly Invitae), Labcorp
Classification: Likely benign for Walker-Warburg congenital muscular dystrophy. Last evaluated: 2025-12-08. Review status: criteria provided, single submitter. Criteria: Invitae Variant Classification Sherloc (09022015). Collection method: clinical testing. Allele origin: germline.

GeneDx
Classification: Likely benign. Last evaluated: 2017-08-22. Review status: criteria provided, single submitter. Criteria: GeneDx Variant Classification (06012015). Collection method: clinical testing. Allele origin: germline. Affected: yes.
Comment: This variant is considered likely benign or benign based on one or more of the following criteria: it is a conservative change, it occurs at a poorly conserved position in the protein, it is predicted to be benign by multiple in silico algorithms, and/or has population frequency not consistent with disease.